The following is an entry in ClinVar:

NM_001846.4(COL4A2):c.3096C>G (p.Ile1032Met)

Gene: COL4A2 (collagen type IV alpha 2 chain; plus strand). Cytogenetic location: 13q34.
Variant type: single nucleotide variant.
Coding change: c.3096C>G on transcript NM_001846.4 (MANE Select); coding-DNA position 3096, C replaced by G.
Protein change: p.Ile1032Met; replaces isoleucine 1032 with methionine.
Molecular consequence: missense variant.
Genome position (GRCh38, 1-based): chr13:110,485,725, C>G. VCF-style: chr13-110485725-C-G. GRCh37 (hg19) VCF-style: chr13-111138072-C-G.
Other names: short protein forms I1032M.
Identifiers: ClinVar variation 3706524 (VCV003706524.2).

ClinVar aggregate classification (germline): Uncertain significance (1 of 4 stars; one submission).

gnomAD v4.1: 2 of 1,613,686 alleles (0.00012%); highest among the groups gnomAD compares: Admixed American, 0.0017%; no homozygotes.

Submission:

Labcorp Genetics (formerly Invitae), Labcorp
Classification: Uncertain significance. Last evaluated: 2024-06-22. Review status: criteria provided, single submitter. Criteria: Invitae Variant Classification Sherloc (09022015). Collection method: clinical testing. Allele origin: germline.
Comment: This sequence change replaces isoleucine, which is neutral and non-polar, with methionine, which is neutral and non-polar, at codon 1032 of the COL4A2 protein (p.Ile1032Met). This variant is not present in population databases (gnomAD no frequency). This variant has not been reported in the literature in individuals affected with COL4A2-related conditions. Advanced modeling of protein sequence and biophysical properties (such as structural, functional, and spatial information, amino acid conservation, physicochemical variation, residue mobility, and thermodynamic stability) performed at Invitae indicates that this missense variant is not expected to disrupt COL4A2 protein function with a negative predictive value of 95%. In summary, the available evidence is currently insufficient to determine the role of this variant in disease. Therefore, it has been classified as a Variant of Uncertain Significance.